The following is an entry in ClinVar:

NM_002734.5(PRKAR1A):c.167G>C (p.Arg56Thr)

Gene: PRKAR1A (protein kinase cAMP-dependent type I regulatory subunit alpha; plus strand). Cytogenetic location: 17q24.2.
Variant type: single nucleotide variant.
Coding change: c.167G>C on transcript NM_002734.5 (MANE Select); coding-DNA position 167, G replaced by C.
Protein change: p.Arg56Thr; replaces arginine 56 with threonine.
Molecular consequence: missense variant.
Genome position (GRCh38, 1-based): chr17:68,515,566, G>C. VCF-style: chr17-68515566-G-C. GRCh37 (hg19) VCF-style: chr17-66511707-G-C.
Other names: c.167G>C, p.Arg56Thr (NM_001276289.2, NM_001276290.1, NM_001278433.2 and 4 more transcripts); short protein forms R56T.
Identifiers: ClinVar variation 2562688 (VCV002562688.3), dbSNP rs773684158, ClinGen allele CA8729167.

ClinVar aggregate classification (germline): Conflicting classifications of pathogenicity. Review status: criteria provided, conflicting classifications (1 of 4 stars). 2 submissions from 2 submitters: Uncertain significance (1); Likely benign (1). Last evaluated 2025-06-25.

Conditions:
Hereditary cancer-predisposing syndrome. Also called: Neoplastic Syndromes, Hereditary; Hereditary Cancer Syndrome; Hereditary neoplastic syndrome; Tumor predisposition. Identifiers: Orphanet 140162, MedGen C0027672, MeSH D009386, MONDO:0015356.
Carney complex, type 1 (CNC1). Also called: CARNEY COMPLEX, TYPE I; CARNEY MYXOMA-ENDOCRINE COMPLEX. Identifiers: Orphanet 1359, MedGen C2607929, MONDO:0008057, OMIM 160980.

Allele frequency attached by ClinVar (database versions not stated): gnomAD 0.00001; ExAC 0.00003; gnomAD exomes 0.00004.
gnomAD v4.1: 24 of 1,612,082 alleles (0.0015%); highest among the groups gnomAD compares: South Asian, 0.025%; no homozygotes.

Submissions (2):

Labcorp Genetics (formerly Invitae), Labcorp
Classification: Uncertain significance for Carney complex, type 1. Last evaluated: 2025-06-25. Review status: criteria provided, single submitter. Criteria: Invitae Variant Classification Sherloc (09022015). Collection method: clinical testing. Allele origin: germline.
Comment: This sequence change replaces arginine, which is basic and polar, with threonine, which is neutral and polar, at codon 56 of the PRKAR1A protein (p.Arg56Thr). This variant is present in population databases (rs773684158, gnomAD 0.03%). This variant has not been reported in the literature in individuals affected with PRKAR1A-related conditions. ClinVar contains an entry for this variant (Variation ID: 2562688). Invitae Evidence Modeling of protein sequence and biophysical properties (such as structural, functional, and spatial information, amino acid conservation, physicochemical variation, residue mobility, and thermodynamic stability) indicates that this missense variant is not expected to disrupt PRKAR1A protein function with a negative predictive value of 95%. In summary, the available evidence is currently insufficient to determine the role of this variant in disease. Therefore, it has been classified as a Variant of Uncertain Significance.

Ambry Genetics
Classification: Likely benign for Hereditary cancer-predisposing syndrome. Last evaluated: 2023-05-27. Review status: criteria provided, single submitter. Criteria: Ambry Variant Classification Scheme 2023. Collection method: clinical testing. Allele origin: germline.